The following is an entry in ClinVar:

NM_022173.4(TIA1):c.913C>T (p.Pro305Ser)

Gene: TIA1 (TIA1 cytotoxic granule associated RNA binding protein; minus strand). Cytogenetic location: 2p13.3.
Variant type: single nucleotide variant.
Coding change: c.913C>T on transcript NM_022173.4 (MANE Select); coding-DNA position 913, C replaced by T.
Protein change: p.Pro305Ser; replaces proline 305 with serine.
Molecular consequence: missense variant. On other transcripts: non-coding transcript variant (17).
Genome position (GRCh38, 1-based): chr2:70,214,470, G>A on the plus strand (C>T on the coding strand, the complement: TIA1 is on the minus strand). VCF-style: chr2-70214470-G-A. GRCh37 (hg19) VCF-style: chr2-70441602-G-A.
Other names: c.910C>T, p.Pro304Ser (NM_001351508.2); c.886C>T, p.Pro296Ser (NM_001351509.2); c.877C>T, p.Pro293Ser (NM_001351510.2); c.802C>T, p.Pro268Ser (NM_001351511.1); c.775C>T, p.Pro259Ser (NM_001351512.1); c.769C>T, p.Pro257Ser (NM_001351513.1); c.685C>T, p.Pro229Ser (NM_001351514.2); c.610C>T, p.Pro204Ser (NM_001351515.2); and 3 more; short protein forms P164S, P165S, P204S, P229S, P257S, P259S, P268S, P293S.
Identifiers: ClinVar variation 1058761 (VCV001058761.9), dbSNP rs2103876011, ClinGen allele CA347150335.

ClinVar aggregate classification (germline): Uncertain significance (1 of 4 stars; one submission).

Conditions:
Welander distal myopathy (WDM). Also called: Gower's muscular dystrophy; MUSCULAR DYSTROPHY, DISTAL, LATE-ONSET, AUTOSOMAL DOMINANT; Welander distal myopathy, Swedish type; Distal myopathy, Swedish type. Identifiers: Orphanet 603, MedGen C0221054, MONDO:0011466, OMIM 604454.

Submission:

Labcorp Genetics (formerly Invitae), Labcorp
Classification: Uncertain significance for Welander distal myopathy. Last evaluated: 2021-12-26. Review status: criteria provided, single submitter. Criteria: Invitae Variant Classification Sherloc (09022015). Collection method: clinical testing. Allele origin: germline.
Comment: This variant has not been reported in the literature in individuals affected with TIA1-related conditions. ClinVar contains an entry for this variant (Variation ID: 1058761). Algorithms developed to predict the effect of missense changes on protein structure and function (SIFT, PolyPhen-2, Align-GVGD) all suggest that this variant is likely to be tolerated. In summary, the available evidence is currently insufficient to determine the role of this variant in disease. Therefore, it has been classified as a Variant of Uncertain Significance. This variant is not present in population databases (gnomAD no frequency). This sequence change replaces proline, which is neutral and non-polar, with serine, which is neutral and polar, at codon 305 of the TIA1 protein (p.Pro305Ser).